The following is an entry in ClinVar:

ClinVar aggregate classification (germline): Conflicting classifications of pathogenicity. Review status: criteria provided, conflicting classifications (1 of 4 stars). 3 submissions from 3 submitters: Uncertain significance (1); Likely benign (2). Last evaluated 2026-05-13.

Conditions:
Inborn genetic diseases. Identifiers: MedGen C0950123, MeSH D030342.
RAI1-related disorder. Also called: RAI1-related condition.

Allele frequency attached by ClinVar (database versions not stated): ExAC 0.00001; gnomAD 0.00002 and 0.00003; gnomAD exomes 0.00002; TOPMed 0.00003; ESP Exome Variant Server 0.00008.
gnomAD v4.1: 21 of 1,612,184 alleles (0.0013%); highest among the groups gnomAD compares: Admixed American, 0.005%; no homozygotes.

Submissions (3):

PreventionGenetics, part of Exact Sciences
Classification: Uncertain significance for RAI1-related condition. Last evaluated: 2026-05-13. Review status: criteria provided, single submitter. Criteria: ACMG Guidelines, 2015. Collection method: clinical testing. Allele origin: germline.
Comment: The RAI1 c.3781G>A variant is predicted to result in the amino acid substitution p.Glu1261Lys. To our knowledge, this variant has not been reported in the literature. This variant is reported in 0.0029% of alleles in individuals of Latino descent in gnomAD and is likely too high to be an undocumented cause of autosomal dominant Smith-Magenis syndrome. At this time, the clinical significance of this variant is uncertain due to the absence of conclusive functional and genetic evidence.

Ambry Genetics
Classification: Likely benign for Inborn genetic diseases. Last evaluated: 2025-10-18. Review status: criteria provided, single submitter. Criteria: Ambry Variant Classification Scheme 2023. Collection method: clinical testing. Allele origin: germline.

Labcorp Genetics (formerly Invitae), Labcorp
Classification: Likely benign. Last evaluated: 2024-08-31. Review status: criteria provided, single submitter. Criteria: Invitae Variant Classification Sherloc (09022015). Collection method: clinical testing. Allele origin: germline.

NM_030665.4(RAI1):c.3781G>A (p.Glu1261Lys)

Gene: RAI1 (retinoic acid induced 1; plus strand). Cytogenetic location: 17p11.2.
Variant type: single nucleotide variant.
Coding change: c.3781G>A on transcript NM_030665.4 (MANE Select); coding-DNA position 3781, G replaced by A.
Protein change: p.Glu1261Lys; replaces glutamic acid 1261 with lysine.
Molecular consequence: missense variant.
Genome position (GRCh38, 1-based): chr17:17,796,729, G>A. VCF-style: chr17-17796729-G-A. GRCh37 (hg19) VCF-style: chr17-17700043-G-A.
Other names: c.3781G>A (NM_030665.3); short protein forms E1261K.
Identifiers: ClinVar variation 1398800 (VCV001398800.8), dbSNP rs145593469, ClinGen allele CA8418817.